The following is an entry in ClinVar:

NM_001267550.2(TTN):c.18151G>A (p.Glu6051Lys)

Genes: TTN (titin; minus strand), LOC126806430 (BRD4-independent group 4 enhancer GRCh37_chr2:179593794-179594993; plus strand). Cytogenetic location: 2q31.2.
Variant type: single nucleotide variant.
Coding change: c.18151G>A on transcript NM_001267550.2 (MANE Select); coding-DNA position 18151, G replaced by A.
Protein change: p.Glu6051Lys; replaces glutamic acid 6051 with lysine.
Molecular consequence: missense variant. On other transcripts: intron variant (3).
Genome position (GRCh38, 1-based): chr2:178,730,249, C>T on the plus strand (G>A on the coding strand, the complement: TTN is on the minus strand). VCF-style: chr2-178730249-C-T. GRCh37 (hg19) VCF-style: chr2-179594976-C-T.
Other names: c.17200G>A, p.Glu5734Lys (NM_001256850.1); c.14419G>A, p.Glu4807Lys (NM_133378.4); c.13282+7833G>A (NM_003319.4); c.13858+7833G>A (NM_133437.4); c.13657+7833G>A (NM_133432.3); short protein forms E4807K, E5734K, E6051K.
Identifiers: ClinVar variation 1309998 (VCV001309998.4), dbSNP rs532089368, ClinGen allele CA2001671.

ClinVar aggregate classification (germline): Uncertain significance. Review status: criteria provided, multiple submitters, no conflicts (2 of 4 stars). 2 submissions from 2 submitters: Uncertain significance (2). Last evaluated 2020-03-11.

Allele frequency attached by ClinVar (database versions not stated): gnomAD exomes below 0.00001; TOPMed below 0.00001; ExAC 0.00001; gnomAD 0.00001; 1000 Genomes Project 30x 0.00016; 1000 Genomes Project 0.00020.
gnomAD v4.1: 2 of 1,613,282 alleles (0.00012%); highest among the groups gnomAD compares: Admixed American, 0.0033%; no homozygotes.

Submissions (2):

Revvity Omics, Revvity
Classification: Uncertain significance. Last evaluated: 2020-03-11. Review status: criteria provided, single submitter. Criteria: ACMG Guidelines, 2015. Collection method: clinical testing. Allele origin: germline.

GeneDx
Classification: Uncertain significance. Last evaluated: 2019-11-08. Review status: criteria provided, single submitter. Criteria: GeneDx Variant Classification Process June 2021. Collection method: clinical testing. Allele origin: germline. Affected: yes.
Comment: Not observed at a significant frequency in large population cohorts (Lek et al., 2016); Missense variant in a gene in which most reported pathogenic variants are truncating/loss-of-function; Has not been previously published as pathogenic or benign to our knowledge